The following is an entry in ClinVar:

NM_001377540.1(SLMAP):c.1094C>A (p.Ala365Asp)

Gene: SLMAP (sarcolemma associated protein; plus strand). Cytogenetic location: 3p14.3.
Variant type: single nucleotide variant.
Coding change: c.1094C>A on transcript NM_001377540.1 (MANE Select); coding-DNA position 1094, C replaced by A.
Protein change: p.Ala365Asp; replaces alanine 365 with aspartic acid.
Molecular consequence: missense variant. On other transcripts: non-coding transcript variant (1).
Genome position (GRCh38, 1-based): chr3:57,864,675, C>A. VCF-style: chr3-57864675-C-A. GRCh37 (hg19) VCF-style: chr3-57850402-C-A.
Other names: c.1094C>A, p.Ala365Asp (NM_001304420.3, NM_001304421.2, NM_001377538.1 and 17 more transcripts); short protein forms A365D.
Identifiers: ClinVar variation 1019210 (VCV001019210.8), dbSNP rs375002159, ClinGen allele CA2466998.
Genomic context (GRCh38, chr3:57,864,675, plus strand): 5'-AAATAGATGAAATGGAAGAAAAAGAACAGGAGCTCCAGGCAAAAATAGAAGCTTTGCAAG[C>A]TGATAATGATTTCACCAATGAAAGGCTAACAGCTTTACAAGGTAAGTAGCTAATCCAGAA-3'
Protein context (NP_001364469.1, residues 355-375): ELQAKIEALQ[Ala365Asp]DNDFTNERLT

ClinVar aggregate classification (germline): Uncertain significance. Review status: criteria provided, multiple submitters, no conflicts (2 of 4 stars). 2 submissions from 2 submitters: Uncertain significance (2). Last evaluated 2025-04-26.

Conditions:
Brugada syndrome. Also called: Sudden unexpected nocturnal death syndrome; Sudden Unexplained Death Syndrome; Sudden Unexplained Nocturnal Death Syndrome (SUNDS); Sudden unexplained nocturnal death syndrome. Identifiers: Orphanet 130, MedGen C1142166, MONDO:0015263.

Allele frequency attached by ClinVar (database versions not stated): gnomAD 0.00001; gnomAD exomes 0.00001 and 0.00002; TOPMed 0.00001; ExAC 0.00003.
gnomAD v4.1: 12 of 1,596,610 alleles (0.00075%); highest among the groups gnomAD compares: Non-Finnish European, 0.00094%; no homozygotes.

Submissions (2):

Labcorp Genetics (formerly Invitae), Labcorp
Classification: Uncertain significance for Brugada syndrome. Last evaluated: 2025-04-26. Review status: criteria provided, single submitter. Criteria: Invitae Variant Classification Sherloc (09022015). Collection method: clinical testing. Allele origin: germline.
Comment: This sequence change replaces alanine, which is neutral and non-polar, with aspartic acid, which is acidic and polar, at codon 365 of the SLMAP protein (p.Ala365Asp). This variant is present in population databases (rs375002159, gnomAD 0.003%). This variant has not been reported in the literature in individuals affected with SLMAP-related conditions. ClinVar contains an entry for this variant (Variation ID: 1019210). An algorithm developed to predict the effect of missense changes on protein structure and function (PolyPhen-2) suggests that this variant is likely to be disruptive. In summary, the available evidence is currently insufficient to determine the role of this variant in disease. Therefore, it has been classified as a Variant of Uncertain Significance.

Ambry Genetics
Classification: Uncertain significance. Last evaluated: 2025-03-31. Review status: criteria provided, single submitter. Criteria: Ambry Variant Classification Scheme 2023. Collection method: clinical testing. Allele origin: germline.
Comment: The p.A365D variant (also known as c.1094C>A), located in coding exon 10 of the SLMAP gene, results from a C to A substitution at nucleotide position 1094. The alanine at codon 365 is replaced by aspartic acid, an amino acid with dissimilar properties. This amino acid position is conserved. In addition, the in silico prediction for this alteration is inconclusive. Since supporting evidence is limited at this time, the clinical significance of this alteration remains unclear.